The following is an entry in ClinVar:

NM_001330691.3(CEP78):c.1499C>T (p.Ser500Phe)

Gene: CEP78 (centrosomal protein 78; plus strand). Cytogenetic location: 9q21.2.
Variant type: single nucleotide variant.
Coding change: c.1499C>T on transcript NM_001330691.3 (MANE Select); coding-DNA position 1499, C replaced by T.
Protein change: p.Ser500Phe; replaces serine 500 with phenylalanine.
Molecular consequence: missense variant.
Genome position (GRCh38, 1-based): chr9:78,264,190, C>T. VCF-style: chr9-78264190-C-T. GRCh37 (hg19) VCF-style: chr9-80879106-C-T.
Other names: c.1502C>T, p.Ser501Phe (NM_001098802.3, NM_001349839.2, NM_001349840.2 and 1 more transcripts); c.1499C>T, p.Ser500Phe (NM_001330693.3, NM_001330694.2, NM_001349838.2); short protein forms S500F, S501F.
Identifiers: ClinVar variation 1497427 (VCV001497427.6), dbSNP rs2118461085, ClinGen allele CA373864109.

ClinVar aggregate classification (germline): Uncertain significance (1 of 4 stars; one submission).

Submission:

Labcorp Genetics (formerly Invitae), Labcorp
Classification: Uncertain significance. Last evaluated: 2022-07-19. Review status: criteria provided, single submitter. Criteria: Invitae Variant Classification Sherloc (09022015). Collection method: clinical testing. Allele origin: germline.
Comment: This variant has not been reported in the literature in individuals affected with CEP78-related conditions. This variant is not present in population databases (gnomAD no frequency). This sequence change replaces serine, which is neutral and polar, with phenylalanine, which is neutral and non-polar, at codon 501 of the CEP78 protein (p.Ser501Phe). ClinVar contains an entry for this variant (Variation ID: 1497427). In summary, the available evidence is currently insufficient to determine the role of this variant in disease. Therefore, it has been classified as a Variant of Uncertain Significance. Algorithms developed to predict the effect of missense changes on protein structure and function are either unavailable or do not agree on the potential impact of this missense change (SIFT: "Deleterious"; PolyPhen-2: "Probably Damaging"; Align-GVGD: "Class C0").